The following is an entry in ClinVar:

ClinVar aggregate classification (germline): Likely benign (0 of 4 stars; one submission).

Conditions:
NPHP4-related disorder. Also called: NPHP4-related condition; NPHP4-related disorders. Identifiers: MedGen CN239384.

Submission:

PreventionGenetics, part of Exact Sciences
Classification: Likely benign for NPHP4-related condition. Last evaluated: 2024-01-04. Review status: no assertion criteria provided. Collection method: clinical testing. Allele origin: germline.
Comment: This variant is classified as likely benign based on ACMG/AMP sequence variant interpretation guidelines (Richards et al. 2015 PMID: 25741868, with internal and published modifications).

NM_015102.5(NPHP4):c.1008T>C (p.Ala336=)

Gene: NPHP4 (nephrocystin 4; minus strand). Cytogenetic location: 1p36.31.
Variant type: single nucleotide variant.
Coding change: c.1008T>C on transcript NM_015102.5 (MANE Select); coding-DNA position 1008, T replaced by C.
Protein change: p.Ala336=; no amino-acid change (alanine 336 retained).
Molecular consequence: synonymous variant. On other transcripts: 5 prime UTR variant (2), non-coding transcript variant (1).
Genome position (GRCh38, 1-based): chr1:5,947,215, A>G on the plus strand (T>C on the coding strand, the complement: NPHP4 is on the minus strand). VCF-style: chr1-5947215-A-G. GRCh37 (hg19) VCF-style: chr1-6007275-A-G.
Other names: c.-359T>C (NM_001291593.2, NM_001291594.2).
Identifiers: ClinVar variation 3031544 (VCV003031544.2), dbSNP rs2523109154, ClinGen allele CA415787204.